The following is an entry in ClinVar:

ClinVar aggregate classification (germline): Uncertain significance (1 of 4 stars; one submission).

Conditions:
Neurodevelopmental disorder with progressive spasticity and brain white matter abnormalities. Also called: CEREBRAL PALSY, SPASTIC QUADRIPLEGIC, 1. Identifiers: Orphanet 210141, Orphanet 641353, MedGen C5436628, MONDO:0033613, OMIM 619026.

Allele frequency attached by ClinVar (database versions not stated): ExAC 0.00001; gnomAD exomes 0.00001; TOPMed 0.00005; gnomAD 0.00008.
gnomAD v4.1: 29 of 1,609,574 alleles (0.0018%); highest among the groups gnomAD compares: African/African-American, 0.027%; 1 homozygote.

Submission:

Labcorp Genetics (formerly Invitae), Labcorp
Classification: Uncertain significance for Neurodevelopmental disorder with progressive spasticity and brain white matter abnormalities. Last evaluated: 2024-11-04. Review status: criteria provided, single submitter. Criteria: Invitae Variant Classification Sherloc (09022015). Collection method: clinical testing. Allele origin: germline.
Comment: This sequence change replaces lysine, which is basic and polar, with arginine, which is basic and polar, at codon 68 of the GAD1 protein (p.Lys68Arg). The frequency data for this variant in the population databases is considered unreliable, as metrics indicate poor data quality at this position in the gnomAD database. This variant has not been reported in the literature in individuals affected with GAD1-related conditions. ClinVar contains an entry for this variant (Variation ID: 1522846). An algorithm developed to predict the effect of missense changes on protein structure and function outputs the following: PolyPhen-2: "Benign". The arginine amino acid residue is found in multiple mammalian species, which suggests that this missense change does not adversely affect protein function. In summary, the available evidence is currently insufficient to determine the role of this variant in disease. Therefore, it has been classified as a Variant of Uncertain Significance.

NM_000817.3(GAD1):c.203A>G (p.Lys68Arg)

Gene: GAD1 (glutamate decarboxylase 1; plus strand). Cytogenetic location: 2q31.1.
Variant type: single nucleotide variant.
Coding change: c.203A>G on transcript NM_000817.3 (MANE Select); coding-DNA position 203, A replaced by G.
Protein change: p.Lys68Arg; replaces lysine 68 with arginine.
Molecular consequence: missense variant.
Genome position (GRCh38, 1-based): chr2:170,829,532, A>G. VCF-style: chr2-170829532-A-G. GRCh37 (hg19) VCF-style: chr2-171686042-A-G.
Other names: c.203A>G, p.Lys68Arg (NM_013445.4); short protein forms K68R.
Identifiers: ClinVar variation 1522846 (VCV001522846.6), dbSNP rs112605975, ClinGen allele CA1962554.